The following is an entry in ClinVar:

ClinVar aggregate classification (germline): Uncertain significance. Review status: criteria provided, multiple submitters, no conflicts (2 of 4 stars). 2 submissions from 2 submitters: Uncertain significance (2). Last evaluated 2025-12-24.

Conditions:
Neutropenia, severe congenital, 1, autosomal dominant. Identifiers: MedGen C1859966, MONDO:0042490, OMIM 202700.
Cyclical neutropenia. Also called: Cyclic Neutropenia; Cyclic hematopoiesis. Identifiers: Orphanet 2686, MedGen C0221023, MONDO:0008090, OMIM 162800, HP:0040289. Disease mechanism: loss of function.
Inborn genetic diseases. Identifiers: MedGen C0950123, MeSH D030342.

Allele frequency attached by ClinVar (database versions not stated): gnomAD exomes below 0.00001; TOPMed 0.00001.
gnomAD v4.1: 6 of 1,609,188 alleles (0.00037%); highest among the groups gnomAD compares: Non-Finnish European, 0.00042%; no homozygotes.

Submissions (2):

Labcorp Genetics (formerly Invitae), Labcorp
Classification: Uncertain significance for Neutropenia, severe congenital, 1, autosomal dominant; Cyclical neutropenia. Last evaluated: 2025-12-24. Review status: criteria provided, single submitter. Criteria: Invitae Variant Classification Sherloc (09022015). Collection method: clinical testing. Allele origin: germline.
Comment: This sequence change replaces valine, which is neutral and non-polar, with glycine, which is neutral and non-polar, at codon 190 of the ELANE protein (p.Val190Gly). This variant is not present in population databases (gnomAD no frequency). This variant has not been reported in the literature in individuals affected with ELANE-related conditions. ClinVar contains an entry for this variant (Variation ID: 1061538). Invitae Evidence Modeling of protein sequence and biophysical properties (such as structural, functional, and spatial information, amino acid conservation, physicochemical variation, residue mobility, and thermodynamic stability) has been performed for this missense variant. However, the output from this modeling did not meet the statistical confidence thresholds required to predict the impact of this variant on ELANE protein function. In summary, the available evidence is currently insufficient to determine the role of this variant in disease. Therefore, it has been classified as a Variant of Uncertain Significance.

Ambry Genetics
Classification: Uncertain significance for Inborn genetic diseases. Last evaluated: 2024-12-12. Review status: criteria provided, single submitter. Criteria: Ambry Variant Classification Scheme 2023. Collection method: clinical testing. Allele origin: germline.
Comment: The p.V190G variant (also known as c.569T>G), located in coding exon 4 of the ELANE gene, results from a T to G substitution at nucleotide position 569. The valine at codon 190 is replaced by glycine, an amino acid with dissimilar properties. This amino acid position is conserved. In addition, the in silico prediction for this alteration is inconclusive. Based on the available evidence, the clinical significance of this variant remains unclear.

NM_001972.4(ELANE):c.569T>G (p.Val190Gly)

Gene: ELANE (elastase, neutrophil expressed; plus strand). Cytogenetic location: 19p13.3.
Variant type: single nucleotide variant.
Coding change: c.569T>G on transcript NM_001972.4 (MANE Select); coding-DNA position 569, T replaced by G.
Protein change: p.Val190Gly; replaces valine 190 with glycine.
Molecular consequence: missense variant.
Genome position (GRCh38, 1-based): chr19:855,766, T>G. VCF-style: chr19-855766-T-G. GRCh37 (hg19) VCF-style: chr19-855766-T-G.
Other names: c.569T>G (NM_001972.2); short protein forms V190G.
Identifiers: ClinVar variation 1061538 (VCV001061538.13), dbSNP rs1322572531, ClinGen allele CA402918718.